The following is an entry in ClinVar:

NM_033394.3(TANC1):c.5352C>A (p.Thr1784=)

Gene: TANC1 (tetratricopeptide repeat, ankyrin repeat and coiled-coil containing 1; plus strand). Cytogenetic location: 2q24.2.
Variant type: single nucleotide variant.
Coding change: c.5352C>A on transcript NM_033394.3 (MANE Select); coding-DNA position 5352, C replaced by A.
Protein change: p.Thr1784=; no amino-acid change (threonine 1784 retained).
Molecular consequence: synonymous variant. On other transcripts: 3 prime UTR variant (1).
Genome position (GRCh38, 1-based): chr2:159,230,778, C>A. VCF-style: chr2-159230778-C-A. GRCh37 (hg19) VCF-style: chr2-160087289-C-A.
Other names: c.*1160C>A (NM_001145909.2); c.4749C>A, p.Thr1583= (NM_001350062.2); c.4983C>A, p.Thr1661= (NM_001350063.2); c.5331C>A, p.Thr1777= (NM_001350064.2, NM_001350065.2).
Identifiers: ClinVar variation 2651457 (VCV002651457.24), dbSNP rs199565667, ClinGen allele CA1923133.

ClinVar aggregate classification (germline): Likely benign (1 of 4 stars; one submission).

Allele frequency attached by ClinVar (database versions not stated): ExAC 0.00020; gnomAD 0.00021; TOPMed 0.00025; ESP Exome Variant Server 0.00033; gnomAD exomes 0.00036.
gnomAD v4.1: 551 of 1,614,092 alleles (0.034%); highest among the groups gnomAD compares: Admixed American, 0.053%; no homozygotes.

Submission:

CeGaT Center for Human Genetics Tuebingen
Classification: Likely benign. Last evaluated: 2022-06-01. Review status: criteria provided, single submitter. Criteria: CeGaT Center For Human Genetics Tuebingen Variant Classification Criteria Version 2. Collection method: clinical testing. Allele origin: germline. Affected: yes. Observed: 1 variant allele.
Comment: TANC1: BP4, BP7